The following is an entry in ClinVar:

NM_001256864.2(DNAJC6):c.1877C>T (p.Ala626Val)

Gene: DNAJC6 (DnaJ heat shock protein family (Hsp40) member C6; plus strand). Cytogenetic location: 1p31.3.
Variant type: single nucleotide variant.
Coding change: c.1877C>T on transcript NM_001256864.2 (MANE Select); coding-DNA position 1877, C replaced by T.
Protein change: p.Ala626Val; replaces alanine 626 with valine.
Molecular consequence: missense variant.
Genome position (GRCh38, 1-based): chr1:65,392,839, C>T. VCF-style: chr1-65392839-C-T. GRCh37 (hg19) VCF-style: chr1-65858522-C-T.
Other names: c.1706C>T (NM_014787.2); c.1667C>T, p.Ala556Val (NM_001256865.2); c.1706C>T, p.Ala569Val (NM_014787.4); short protein forms A569V, A556V, A626V.
Identifiers: ClinVar variation 1423966 (VCV001423966.5), dbSNP rs761922985, ClinGen allele CA894014.

ClinVar aggregate classification (germline): Uncertain significance. Review status: criteria provided, multiple submitters, no conflicts (2 of 4 stars). 2 submissions from 2 submitters: Uncertain significance (2). Last evaluated 2025-05-26.

Conditions:
Inborn genetic diseases. Identifiers: MedGen C0950123, MeSH D030342.
Juvenile onset Parkinson disease 19A. Also called: DNAJC6 Parkinson Disease; PARK19. Identifiers: Orphanet 391411, MedGen C3809811, MONDO:0014231, OMIM 615528.

Allele frequency attached by ClinVar (database versions not stated): gnomAD 0.00001; TOPMed 0.00002.
gnomAD v4.1: 12 of 1,536,888 alleles (0.00078%); highest among the groups gnomAD compares: African/African-American, 0.0028%; no homozygotes.

Submissions (2):

Ambry Genetics
Classification: Uncertain significance for Inborn genetic diseases. Last evaluated: 2025-05-26. Review status: criteria provided, single submitter. Criteria: Ambry Variant Classification Scheme 2023. Collection method: clinical testing. Allele origin: germline.

Labcorp Genetics (formerly Invitae), Labcorp
Classification: Uncertain significance for Juvenile onset Parkinson disease 19A. Last evaluated: 2022-08-06. Review status: criteria provided, single submitter. Criteria: Invitae Variant Classification Sherloc (09022015). Collection method: clinical testing. Allele origin: germline.
Comment: Algorithms developed to predict the effect of missense changes on protein structure and function are either unavailable or do not agree on the potential impact of this missense change (SIFT: "Tolerated"; PolyPhen-2: "Possibly Damaging"; Align-GVGD: "Class C0"). In summary, the available evidence is currently insufficient to determine the role of this variant in disease. Therefore, it has been classified as a Variant of Uncertain Significance. ClinVar contains an entry for this variant (Variation ID: 1423966). This variant has not been reported in the literature in individuals affected with DNAJC6-related conditions. This variant is present in population databases (rs761922985, gnomAD 0.007%). This sequence change replaces alanine, which is neutral and non-polar, with valine, which is neutral and non-polar, at codon 626 of the DNAJC6 protein (p.Ala626Val).